The following is an entry in ClinVar:

NM_001170629.2(CHD8):c.1053C>G (p.Ile351Met)

Gene: CHD8 (chromodomain helicase DNA binding protein 8; minus strand). Cytogenetic location: 14q11.2.
Variant type: single nucleotide variant.
Coding change: c.1053C>G on transcript NM_001170629.2 (MANE Select); coding-DNA position 1053, C replaced by G.
Protein change: p.Ile351Met; replaces isoleucine 351 with methionine.
Molecular consequence: missense variant.
Genome position (GRCh38, 1-based): chr14:21,429,126, G>C on the plus strand (C>G on the coding strand, the complement: CHD8 is on the minus strand). VCF-style: chr14-21429126-G-C. GRCh37 (hg19) VCF-style: chr14-21897285-G-C.
Other names: c.216C>G, p.Ile72Met (NM_020920.4); short protein forms I351M, I72M.
Identifiers: ClinVar variation 4537381 (VCV004537381.1).
Genomic context (GRCh38, chr14:21,429,126, plus strand): 5'-CTGGGTGGAGGGTGGCTGCTGGGGCTGTGGCTGCGATGATGGTGGTTGTGGTACAATCTG[G>C]ATTTTTTGCTGTGGCTGCTGCACCTGCAGCTGGATAGTTACTACCTTGGCAGGCTGCCCT-3'
Protein context (NP_001164100.1, residues 341-361): QLQVQQPQQK[Ile351Met]QIVPQPPSSQ

ClinVar aggregate classification (germline): Uncertain significance (0 of 4 stars; one submission).

Conditions:
Intellectual developmental disorder with autism and macrocephaly. Also called: CHD8-Related Neurodevelopmental Disorder with Overgrowth; Autism, susceptibility to, 18. Identifiers: Orphanet 642675, MedGen C3554373, MONDO:0014017, OMIM 615032.

gnomAD v4.1: 1 of 1,613,962 alleles (0.000062%); no homozygotes.

Submission:

Hanse Genetik, Hanse Genetik Zentrum
Classification: Uncertain significance for Intellectual developmental disorder with autism and macrocephaly. Last evaluated: 2024-07-10. Review status: no assertion criteria provided. Collection method: clinical testing. Allele origin: germline. Inheritance: Autosomal dominant inheritance. Affected: yes. Observed: 3 variant alleles, 3 heterozygotes.
Comment: Not observed at significant frequency in large population corhorts (grnomAD), (PM2). Missense variant in a gene with low rate of benign missense mutations and for which missense mutation is a common mechanism of a disease (PP2). This variant is not reported in the literature. In summary, this variant meets criteria to be classified as variant of unknown significance.